The following is an entry in ClinVar:

NM_000939.4(POMC):c.296del (p.Gly99fs)

Gene: POMC (proopiomelanocortin; minus strand). Cytogenetic location: 2p23.3.
Variant type: Deletion.
Coding change: c.296del on transcript NM_000939.4 (MANE Select); coding-DNA position 296, one base deleted (G; older notation c.296delG).
Protein change: p.Gly99fs; shifts the reading frame from glycine 99.
Molecular consequence: frameshift variant.
Genome position (GRCh38, 1-based): chr2:25,161,589, C deleted on the plus strand (G on the coding strand, the reverse complement: POMC is on the minus strand); the first of 2 consecutive C bases (chr2:25,161,589-25,161,590); deleting either gives the same sequence. VCF-style (leftmost placement, unchanged base first): chr2-25161588-GC-G. GRCh37 (hg19) VCF-style: chr2-25384457-GC-G.
Other names: c.296del, p.Gly99fs (NM_001035256.3, NM_001319204.2, NM_001319205.2); short protein forms G99fs.
Identifiers: ClinVar variation 3351641 (VCV003351641.3).
Genomic context (GRCh38, chr2:25,161,588, plus strand): 5'-GCCCTCAGGCAGCGGGCCGCAGTCTTCGCCCGCTGAGACGTCCTCGCGCTTCTGCCCTGC[GC>G]CGCTGCTGCCGCTGCTGCTGCTGTTGCGGCGGCCGAATCGGTCCCAGCGGAAGTGGCCCA-3'

ClinVar aggregate classification (germline): Uncertain significance. Review status: criteria provided, single submitter (1 of 4 stars). 2 submissions from 2 submitters: Uncertain significance (1). 1 of the submissions does not count toward it. Last evaluated 2024-12-10.

Conditions:
POMC-related disorder. Also called: POMC-related disorders; POMC-related condition.

Submissions (2):

Labcorp Genetics (formerly Invitae), Labcorp
Classification: Uncertain significance. Last evaluated: 2024-12-10. Review status: criteria provided, single submitter. Criteria: Invitae Variant Classification Sherloc (09022015). Collection method: clinical testing. Allele origin: germline.
Comment: This sequence change creates a premature translational stop signal (p.Gly99Alafs*59) in the POMC gene. While this is not anticipated to result in nonsense mediated decay, it is expected to disrupt the last 169 amino acid(s) of the POMC protein. This variant is present in population databases (no rsID available, gnomAD 0.002%). This premature translational stop signal has been observed in individual(s) with clinical features of POMC-related conditions (PMID: 10652501, 35574020). This variant is also known as G6996del. Experimental studies and prediction algorithms are not available or were not evaluated, and the functional significance of this variant is currently unknown. In summary, the available evidence is currently insufficient to determine the role of this variant in disease. Therefore, it has been classified as a Variant of Uncertain Significance.

PreventionGenetics, part of Exact Sciences
Classification: Pathogenic for POMC-related condition. Last evaluated: 2024-02-07. Review status: no assertion criteria provided. Collection method: clinical testing. Allele origin: germline. Not counted in ClinVar's aggregate classification.
Comment: The POMC c.296delG variant is predicted to result in a frameshift and premature protein termination (p.Gly99Alafs*59). This variant, also known as G6996del using alternative nomenclature, has been reported in the compound heterozygous state in an individual with POMC deficiency (Krude and Grüters. 2000. PubMed ID: 10652501). This variant has also been reported in the heterozygous state in a child with obesity (Šket et al. 2022. PubMed ID: 35574020). This variant is reported in 0.0020% of alleles in individuals of European (Non-Finnish) descent in gnomAD. Frameshift variants in POMC are expected to be pathogenic. This variant is interpreted as pathogenic.

Literature cited by the submitters: PubMed 10652501 (cited by Labcorp Genetics (formerly Invitae), Labcorp); PubMed 35574020 (cited by Labcorp Genetics (formerly Invitae), Labcorp).